The following is an entry in ClinVar:

NM_014946.4(SPAST):c.326C>G (p.Pro109Arg)

Gene: SPAST (spastin; plus strand). Cytogenetic location: 2p22.3.
Variant type: single nucleotide variant.
Coding change: c.326C>G on transcript NM_014946.4 (MANE Select); coding-DNA position 326, C replaced by G.
Protein change: p.Pro109Arg; replaces proline 109 with arginine.
Molecular consequence: missense variant.
Genome position (GRCh38, 1-based): chr2:32,064,157, C>G. VCF-style: chr2-32064157-C-G. GRCh37 (hg19) VCF-style: chr2-32289226-C-G.
Other names: c.326C>G, p.Pro109Arg (NM_001363823.2, NM_001363875.2, NM_001377959.1 and 1 more transcripts); short protein forms P109R.
Identifiers: ClinVar variation 2164623 (VCV002164623.6), dbSNP rs762722729, ClinGen allele CA1600558.

ClinVar aggregate classification (germline): Uncertain significance. Review status: criteria provided, multiple submitters, no conflicts (2 of 4 stars). 2 submissions from 2 submitters: Uncertain significance (2). Last evaluated 2026-02-20.

Conditions:
Hereditary spastic paraplegia 4. Also called: Spastic Paraplegia 4; Spastic paraplegia 4, autosomal dominant; Familial spastic paraplegia autosomal dominant 2. Identifiers: Orphanet 100985, MedGen C1866855, MONDO:0008438, OMIM 182601.

gnomAD v4.1: 14 of 1,555,378 alleles (0.0009%); highest among the groups gnomAD compares: Middle Eastern, 0.021%; no homozygotes.

Submissions (2):

Dasa
Classification: Uncertain significance. Last evaluated: 2026-02-20. Review status: criteria provided, single submitter. Criteria: DASA Assertion Criteria. Collection method: clinical testing. Allele origin: germline.
Comment: NM_014946.4(SPAST):c.326C>G (p.Pro109Arg) is a missense variant that results in the substitution of proline with arginine. This variant is rare in population databases. Computational prediction algorithms are consistent with a benign effect. The currently available literature and clinical evidence are not sufficient to establish a definitive association between this variant and the reported condition. Therefore, this variant is classified as a variant of uncertain significance.

Labcorp Genetics (formerly Invitae), Labcorp
Classification: Uncertain significance for Hereditary spastic paraplegia 4. Last evaluated: 2025-06-23. Review status: criteria provided, single submitter. Criteria: Invitae Variant Classification Sherloc (09022015). Collection method: clinical testing. Allele origin: germline.
Comment: This sequence change replaces proline, which is neutral and non-polar, with arginine, which is basic and polar, at codon 109 of the SPAST protein (p.Pro109Arg). This variant is present in population databases (rs762722729, gnomAD 0.002%). This missense change has been observed in individual(s) with hereditary spastic paraplegia (PMID: 27077743). ClinVar contains an entry for this variant (Variation ID: 2164623). Invitae Evidence Modeling of protein sequence and biophysical properties (such as structural, functional, and spatial information, amino acid conservation, physicochemical variation, residue mobility, and thermodynamic stability) indicates that this missense variant is not expected to disrupt SPAST protein function with a negative predictive value of 95%. In summary, the available evidence is currently insufficient to determine the role of this variant in disease. Therefore, it has been classified as a Variant of Uncertain Significance.

Literature cited by the submitters: PubMed 27077743 (cited by Labcorp Genetics (formerly Invitae), Labcorp).